The following is an entry in ClinVar:

ClinVar aggregate classification (germline): Uncertain significance (1 of 4 stars; one submission).

Conditions:
Neuronopathy, distal hereditary motor, autosomal recessive 5. Also called: Spinal muscular atrophy, distal, autosomal recessive, 5; NEUROPATHY, DISTAL HEREDITARY MOTOR, AUTOSOMAL RECESSIVE 5; Young adult-onset distal hereditary motor neuropathy. Identifiers: Orphanet 314485, Orphanet 443950, MedGen C4749918, MONDO:0013947, OMIM 614881.

Allele frequency attached by ClinVar (database versions not stated): TOPMed 0.00001; gnomAD exomes 0.00002 and 0.00001; ExAC 0.00003; 1000 Genomes Project 30x 0.00047; gnomAD 0.00003 and 0.00001; 1000 Genomes Project 0.00060.

Submission:

Labcorp Genetics (formerly Invitae), Labcorp
Classification: Uncertain significance for Neuronopathy, distal hereditary motor, autosomal recessive 5. Last evaluated: 2021-04-30. Review status: criteria provided, single submitter. Criteria: Invitae Variant Classification Sherloc (09022015). Collection method: clinical testing. Allele origin: germline.
Comment: This variant has not been reported in the literature in individuals with DNAJB2-related conditions. Algorithms developed to predict the effect of missense changes on protein structure and function are either unavailable or do not agree on the potential impact of this missense change (SIFT: "Deleterious"; PolyPhen-2: "Probably Damaging"; Align-GVGD: "Class C0"). In summary, the available evidence is currently insufficient to determine the role of this variant in disease. Therefore, it has been classified as a Variant of Uncertain Significance. This variant is present in population databases (rs545130842, ExAC 0.05%). This sequence change replaces arginine with histidine at codon 97 of the DNAJB2 protein (p.Arg97His). The arginine residue is highly conserved and there is a small physicochemical difference between arginine and histidine.

NM_006736.6(DNAJB2):c.290G>A (p.Arg97His)

Gene: DNAJB2 (DnaJ heat shock protein family (Hsp40) member B2; plus strand). Cytogenetic location: 2q35.
Variant type: single nucleotide variant.
Coding change: c.290G>A on transcript NM_006736.6 (MANE Select); coding-DNA position 290, G replaced by A.
Protein change: p.Arg97His; replaces arginine 97 with histidine.
Molecular consequence: missense variant.
Genome position (GRCh38, 1-based): chr2:219,281,999, G>A. VCF-style: chr2-219281999-G-A. GRCh37 (hg19) VCF-style: chr2-220146721-G-A.
Other names: c.290G>A, p.Arg97His (NM_001039550.2); short protein forms R97H.
Identifiers: ClinVar variation 1466764 (VCV001466764.8), dbSNP rs545130842, ClinGen allele CA2122901.